The following is an entry in ClinVar:

ClinVar aggregate classification (germline): Pathogenic (1 of 4 stars; one submission).

Submission:

Labcorp Genetics (formerly Invitae), Labcorp
Classification: Pathogenic. Last evaluated: 2022-11-16. Review status: criteria provided, single submitter. Criteria: Invitae Variant Classification Sherloc (09022015). Collection method: clinical testing. Allele origin: germline.
Comment: For these reasons, this variant has been classified as Pathogenic. This variant has not been reported in the literature in individuals affected with TK2-related conditions. This variant is not present in population databases (gnomAD no frequency). This sequence change creates a premature translational stop signal (p.Tyr158Cysfs*8) in the TK2 gene. It is expected to result in an absent or disrupted protein product. Loss-of-function variants in TK2 are known to be pathogenic (PMID: 20421844).

Literature cited by the submitters: PubMed 20421844.

NM_004614.5(TK2):c.473_474del (p.Tyr158fs)

Gene: TK2 (thymidine kinase 2; minus strand). Cytogenetic location: 16q21.
Variant type: Deletion.
Coding change: c.473_474del on transcript NM_004614.5 (MANE Select); coding-DNA positions 473 to 474, 2 bases deleted (AT; older notation c.473_474delAT).
Protein change: p.Tyr158fs; shifts the reading frame from tyrosine 158.
Molecular consequence: frameshift variant. On other transcripts: non-coding transcript variant (1), intron variant (1).
Genome position (GRCh38, 1-based): chr16:66,517,853-66,517,854, AT deleted on the plus strand (AT on the coding strand, the reverse complement: TK2 is on the minus strand); deleting any 2 consecutive bases within chr16:66,517,853-66,517,855 gives the same sequence; the c. name uses the placement nearest the transcript's 3' end. VCF-style (leftmost placement, unchanged base first): chr16-66517852-CAT-C. GRCh37 (hg19) VCF-style: chr16-66551755-CAT-C.
Other names: c.380_381del, p.Tyr127fs (NM_001172643.1); c.398_399del, p.Tyr133fs (NM_001172644.2); c.419_420del, p.Tyr140fs (NM_001172645.2); c.326_327del, p.Tyr109fs (NM_001271934.2); c.182_183del, p.Tyr61fs (NM_001272050.2); c.357-4043_357-4042del (NM_001271935.1); short protein forms Y158fs, Y140fs, Y109fs, Y127fs, Y133fs, Y61fs.
Identifiers: ClinVar variation 2814604 (VCV002814604.3), dbSNP rs2507091550, ClinGen allele CA2739266830.